The following is an entry in ClinVar:

ClinVar aggregate classification (germline): Uncertain significance. Review status: criteria provided, multiple submitters, no conflicts (2 of 4 stars). 4 submissions from 4 submitters: Uncertain significance (4). Last evaluated 2026-09-02.

Conditions:
PDZD7-related disorder. Also called: PDZD7-related condition; PDZD7-related disorders.
Hearing impairment. Also called: Impaired Hearing. Identifiers: MedGen C1384666, MONDO:0005365, HP:0000365.

Allele frequency attached by ClinVar (database versions not stated): gnomAD 0.00004; ESP Exome Variant Server 0.00008.

Submissions (4):

PreventionGenetics, part of Exact Sciences
Classification: Uncertain significance for PDZD7-related condition. Last evaluated: 2026-09-02. Review status: criteria provided, single submitter. Criteria: ACMG Guidelines, 2015. Collection method: clinical testing. Allele origin: germline.
Comment: The PDZD7 c.481A>T variant is predicted to result in the amino acid substitution p.Met161Leu. To our knowledge, this variant has not been reported in the literature. This variant is reported in 0.0046% of alleles in individuals of European (Non-Finnish) descent in gnomAD. At this time, the clinical significance of this variant is uncertain due to the absence of conclusive functional and genetic evidence.

Blueprint Genetics
Classification: Uncertain significance. Last evaluated: 2022-10-28. Review status: criteria provided, single submitter. Criteria: ACMG Guidelines, 2015. Collection method: clinical testing. Allele origin: germline.

Labcorp Genetics (formerly Invitae), Labcorp
Classification: Uncertain significance. Last evaluated: 2022-08-09. Review status: criteria provided, single submitter. Criteria: Invitae Variant Classification Sherloc (09022015). Collection method: clinical testing. Allele origin: germline.
Comment: This sequence change replaces methionine, which is neutral and non-polar, with leucine, which is neutral and non-polar, at codon 161 of the PDZD7 protein (p.Met161Leu). This variant is present in population databases (rs372777810, gnomAD 0.006%). This variant has not been reported in the literature in individuals affected with PDZD7-related conditions. ClinVar contains an entry for this variant (Variation ID: 1064966). Algorithms developed to predict the effect of missense changes on protein structure and function output the following: SIFT: "Deleterious"; PolyPhen-2: "Not Available"; Align-GVGD: "Class C0". The leucine amino acid residue is found in multiple mammalian species, which suggests that this missense change does not adversely affect protein function. In summary, the available evidence is currently insufficient to determine the role of this variant in disease. Therefore, it has been classified as a Variant of Uncertain Significance.

Department of Otolaryngology – Head & Neck Surgery, Cochlear Implant Center
Classification: Uncertain significance for Hearing impairment. Last evaluated: 2021-04-12. Review status: criteria provided, single submitter. Criteria: ClinGen HL ACMG Specifications v1. Collection method: clinical testing. Allele origin: germline. Affected: yes.
Comment: PM2_Moderate, BP4_Supporting

NM_001195263.2(PDZD7):c.481A>T (p.Met161Leu)

Gene: PDZD7 (PDZ domain containing 7; minus strand). Cytogenetic location: 10q24.31.
Variant type: single nucleotide variant.
Coding change: c.481A>T on transcript NM_001195263.2 (MANE Select); coding-DNA position 481, A replaced by T.
Protein change: p.Met161Leu; replaces methionine 161 with leucine.
Molecular consequence: missense variant.
Genome position (GRCh38, 1-based): chr10:101,023,497, T>A on the plus strand (A>T on the coding strand, the complement: PDZD7 is on the minus strand). VCF-style: chr10-101023497-T-A. GRCh37 (hg19) VCF-style: chr10-102783254-T-A.
Other names: c.481A>T, p.Met161Leu (NM_001351044.2, NM_024895.5); short protein forms M161L.
Identifiers: ClinVar variation 1064966 (VCV001064966.8), dbSNP rs372777810, ClinGen allele CA5654375.